The following is an entry in ClinVar:

NM_001142864.4(PIEZO1):c.1466G>A (p.Arg489His)

Genes: HSALR1 (HSP90AB1 associated lncRNA 1; plus strand), PIEZO1 (piezo type mechanosensitive ion channel component 1 (Er blood group); minus strand). Cytogenetic location: 16q24.3.
Variant type: single nucleotide variant.
Coding change: c.1466G>A on transcript NM_001142864.4 (MANE Select); coding-DNA position 1466, G replaced by A.
Protein change: p.Arg489His; replaces arginine 489 with histidine.
Molecular consequence: missense variant.
Genome position (GRCh38, 1-based): chr16:88,736,239, C>T on the plus strand (G>A on the coding strand, the complement: PIEZO1 is on the minus strand). VCF-style: chr16-88736239-C-T. GRCh37 (hg19) VCF-style: chr16-88802647-C-T.
Other names: c.11G>A, p.Arg4His (NM_014745.1); c.1466G>A (NM_001142864.2); short protein forms R489H, R4H.
Identifiers: ClinVar variation 2162020 (VCV002162020.9), dbSNP rs534638031, ClinGen allele CA8232995.

ClinVar aggregate classification (germline): Conflicting classifications of pathogenicity. Review status: criteria provided, conflicting classifications (1 of 4 stars). 4 submissions from 4 submitters: Uncertain significance (3); Benign (1). Last evaluated 2025-06-12.

Conditions:
Inborn genetic diseases. Identifiers: MedGen C0950123, MeSH D030342.

Allele frequency attached by ClinVar (database versions not stated): gnomAD exomes 0.00007; gnomAD 0.00009; TOPMed 0.00009; 1000 Genomes Project 30x 0.00016; ExAC 0.00016; 1000 Genomes Project 0.00020.
gnomAD v4.1: 114 of 1,550,062 alleles (0.0074%); highest among the groups gnomAD compares: African/African-American, 0.022%; no homozygotes.

Submissions (4):

Labcorp Genetics (formerly Invitae), Labcorp
Classification: Benign. Last evaluated: 2025-06-12. Review status: criteria provided, single submitter. Criteria: Invitae Variant Classification Sherloc (09022015). Collection method: clinical testing. Allele origin: germline.

Ambry Genetics
Classification: Uncertain significance for Inborn genetic diseases. Last evaluated: 2024-11-15. Review status: criteria provided, single submitter. Criteria: Ambry Variant Classification Scheme 2023. Collection method: clinical testing. Allele origin: germline.

ARUP Laboratories, Molecular Genetics and Genomics, ARUP Laboratories
Classification: Uncertain significance. Last evaluated: 2024-10-15. Review status: criteria provided, single submitter. Criteria: ARUP Molecular Germline Variant Investigation Process 2024. Collection method: clinical testing. Allele origin: germline.
Comment: The PIEZO1 c.1466G>A;p.Arg489His variant (rs534638031), to our knowledge, is not reported in the medical literature but is reported in ClinVar (Variation ID: 2162020). This variant is found in the general population with an overall allele frequency of 0.007% (13/184430 alleles) in the Genome Aggregation Database (v2.1.1). Computational analyses are uncertain whether this variant is neutral or deleterious (REVEL: 0.28). Due to limited information, the clinical significance of this variant is uncertain at this time.

Revvity Omics, Revvity
Classification: Uncertain significance. Last evaluated: 2024-05-17. Review status: criteria provided, single submitter. Criteria: ACMG Guidelines, 2015. Collection method: clinical testing. Allele origin: germline.